The following is an entry in ClinVar:

ClinVar aggregate classification (germline): Uncertain significance (1 of 4 stars; one submission).

Submission:

CeGaT Center for Human Genetics Tuebingen
Classification: Uncertain significance. Last evaluated: 2022-06-01. Review status: criteria provided, single submitter. Criteria: CeGaT Center For Human Genetics Tuebingen Variant Classification Criteria Version 2. Collection method: clinical testing. Allele origin: germline. Affected: yes. Observed: 1 variant allele.
Comment: PRSS56: PM2, PP4

NM_001195129.2(PRSS56):c.220A>G (p.Arg74Gly)

Gene: PRSS56 (serine protease 56; plus strand). Cytogenetic location: 2q37.1.
Variant type: single nucleotide variant.
Coding change: c.220A>G on transcript NM_001195129.2 (MANE Select); coding-DNA position 220, A replaced by G.
Protein change: p.Arg74Gly; replaces arginine 74 with glycine.
Molecular consequence: missense variant.
Genome position (GRCh38, 1-based): chr2:232,521,830, A>G. VCF-style: chr2-232521830-A-G. GRCh37 (hg19) VCF-style: chr2-233386540-A-G.
Other names: c.220A>G, p.Arg74Gly (NM_001369848.1); short protein forms R74G.
Identifiers: ClinVar variation 1695009 (VCV001695009.31), dbSNP rs2106200485, ClinGen allele CA350984063.